The following is an entry in ClinVar:

ClinVar aggregate classification (germline): Uncertain significance (1 of 4 stars; one submission).

Conditions:
Combined oxidative phosphorylation defect type 17. Also called: Combined oxidative phosphorylation deficiency 17. Identifiers: Orphanet 369913, MedGen C3809526, MONDO:0014190, OMIM 615440.

Allele frequency attached by ClinVar (database versions not stated): gnomAD exomes 0.00001 and 0.00002; TOPMed 0.00002; gnomAD 0.00003.

Submission:

Labcorp Genetics (formerly Invitae), Labcorp
Classification: Uncertain significance for Combined oxidative phosphorylation defect type 17. Last evaluated: 2022-07-19. Review status: criteria provided, single submitter. Criteria: Invitae Variant Classification Sherloc (09022015). Collection method: clinical testing. Allele origin: germline.
Comment: This sequence change replaces alanine, which is neutral and non-polar, with valine, which is neutral and non-polar, at codon 12 of the ELAC2 protein (p.Ala12Val). The frequency data for this variant in the population databases is considered unreliable, as metrics indicate poor data quality at this position in the gnomAD database. This variant has not been reported in the literature in individuals affected with ELAC2-related conditions. ClinVar contains an entry for this variant (Variation ID: 1499907). Algorithms developed to predict the effect of missense changes on protein structure and function (SIFT, PolyPhen-2, Align-GVGD) all suggest that this variant is likely to be tolerated. In summary, the available evidence is currently insufficient to determine the role of this variant in disease. Therefore, it has been classified as a Variant of Uncertain Significance.

NM_018127.7(ELAC2):c.35C>T (p.Ala12Val)

Gene: ELAC2 (elaC ribonuclease Z 2; minus strand). Cytogenetic location: 17p12.
Variant type: single nucleotide variant.
Coding change: c.35C>T on transcript NM_018127.7 (MANE Select); coding-DNA position 35, C replaced by T.
Protein change: p.Ala12Val; replaces alanine 12 with valine.
Molecular consequence: missense variant.
Genome position (GRCh38, 1-based): chr17:13,017,913, G>A on the plus strand (C>T on the coding strand, the complement: ELAC2 is on the minus strand). VCF-style: chr17-13017913-G-A. GRCh37 (hg19) VCF-style: chr17-12921230-G-A.
Other names: c.35C>T, p.Ala12Val (NM_001165962.2, NM_173717.2); short protein forms A12V.
Identifiers: ClinVar variation 1499907 (VCV001499907.5), dbSNP rs111252262, ClinGen allele CA288067506.
Genomic context (GRCh38, chr17:13,017,913, plus strand): 5'-GGCCGCTCGCGGCGGGCGGGTGCCTGCGATATGGTGCGTCCCTGCGACATGGTGCGTCCG[G>A]CCGCGGACCGCAGCAGCGAGCAAAGCGCCCACATGCGCCCGTCTCCACCAAAACTGAGAA-3'
Protein context (NP_060597.4, residues 2-22): WALCSLLRSA[Ala12Val]GRTMSQGRTI